The following is an entry in ClinVar:

ClinVar aggregate classification (germline): Uncertain significance (1 of 4 stars; one submission).

Conditions:
Epidermolysis bullosa simplex 5C, with pyloric atresia (EBS5C). Also called: PLEC-Related Epidermolysis Bullosa with Pyloric Atresia; Epidermolysis bullosa simplex with pyloric atresia; PLEC1-Related Epidermolysis Bullosa with Pyloric Atresia. Identifiers: Orphanet 158684, MedGen C2677349, MONDO:0012807, OMIM 612138.
Epidermolysis bullosa simplex with nail dystrophy (EBS5D). Identifiers: MedGen C4225309, MONDO:0014661, OMIM 616487.
Epidermolysis bullosa simplex 5B, with muscular dystrophy (EBS5B). Also called: Epidermolysis bullosa simplex with muscular dystrophy; EPIDERMOLYSIS BULLOSA SIMPLEX AND LIMB-GIRDLE MUSCULAR DYSTROPHY. Identifiers: Orphanet 257, MedGen C2931072, MONDO:0009181, OMIM 226670.
Autosomal recessive limb-girdle muscular dystrophy type 2Q (LGMDR17). Also called: MUSCULAR DYSTROPHY, LIMB-GIRDLE, AUTOSOMAL RECESSIVE 17. Identifiers: Orphanet 254361, MedGen C3150989, MONDO:0013390, OMIM 613723.
Epidermolysis bullosa simplex, Ogna type (EBS5A). Also called: Pidermolysis bullosa simplex 5A, Ogna type; EPIDERMOLYSIS BULLOSA SIMPLEX 5A, OGNA TYPE. Identifiers: Orphanet 79401, MedGen C0432317, MONDO:0007555, OMIM 131950.

Allele frequency attached by ClinVar (database versions not stated): TOPMed 0.00001.

Submission:

Labcorp Genetics (formerly Invitae), Labcorp
Classification: Uncertain significance for Autosomal recessive limb-girdle muscular dystrophy type 2Q; Epidermolysis bullosa simplex, Ogna type; Epidermolysis bullosa simplex with nail dystrophy; Epidermolysis bullosa simplex 5C, with pyloric atresia; Epidermolysis bullosa simplex 5B, with muscular dystrophy. Last evaluated: 2025-08-05. Review status: criteria provided, single submitter. Criteria: Invitae Variant Classification Sherloc (09022015). Collection method: clinical testing. Allele origin: germline.
Comment: This sequence change replaces arginine, which is basic and polar, with glycine, which is neutral and non-polar, at codon 3299 of the PLEC protein (p.Arg3299Gly). This variant is present in population databases (rs375101631, gnomAD 0.004%). This variant has not been reported in the literature in individuals affected with PLEC-related conditions. ClinVar contains an entry for this variant (Variation ID: 570755). An algorithm developed to predict the effect of missense changes on protein structure and function (PolyPhen-2) suggests that this variant is likely to be disruptive. In summary, the available evidence is currently insufficient to determine the role of this variant in disease. Therefore, it has been classified as a Variant of Uncertain Significance.

NM_201384.3(PLEC):c.9814C>G (p.Arg3272Gly)

Gene: PLEC (plectin; minus strand). Cytogenetic location: 8q24.3.
Variant type: single nucleotide variant.
Coding change: c.9814C>G on transcript NM_201384.3 (MANE Select); coding-DNA position 9814, C replaced by G.
Protein change: p.Arg3272Gly; replaces arginine 3272 with glycine.
Molecular consequence: missense variant.
Genome position (GRCh38, 1-based): chr8:143,920,007, G>C on the plus strand (C>G on the coding strand, the complement: PLEC is on the minus strand). VCF-style: chr8-143920007-G-C. GRCh37 (hg19) VCF-style: chr8-144994175-G-C.
Other names: c.9895C>G, p.Arg3299Gly (NM_000445.5); c.9772C>G, p.Arg3258Gly (NM_201378.4); c.9748C>G, p.Arg3250Gly (NM_201379.3); c.10225C>G, p.Arg3409Gly (NM_201380.4); c.9718C>G, p.Arg3240Gly (NM_201381.3); c.9814C>G, p.Arg3272Gly (NM_201382.4); c.9826C>G, p.Arg3276Gly (NM_201383.3); short protein forms R3250G, R3276G, R3240G, R3272G, R3258G, R3299G, R3409G.
Identifiers: ClinVar variation 570755 (VCV000570755.9), dbSNP rs375101631, ClinGen allele CA4924850.
Genomic context (GRCh38, chr8:143,920,007, plus strand): 5'-CGATGGTAATGAGAATCTTGATGACCTTCTCCACGGTGACCTTGCCCGTGCGGAACTGAC[G>C]CAACAGCTCCTGCCGCTGCTCCGCAGTGAAGTACTCAGAGCTGATGAGCTCCCACACCGT-3'
Protein context (NP_958786.1, residues 3262-3282): FTAEQRQELL[Arg3272Gly]QFRTGKVTVE